The following is an entry in ClinVar:

ClinVar aggregate classification (germline): Likely benign (0 of 4 stars; one submission).

Conditions:
EVX2-related disorder. Also called: EVX2-related condition.

Submission:

PreventionGenetics, part of Exact Sciences
Classification: Likely benign for EVX2-related condition. Last evaluated: 2021-01-08. Review status: no assertion criteria provided. Collection method: clinical testing. Allele origin: germline.
Comment: This variant is classified as likely benign based on ACMG/AMP sequence variant interpretation guidelines (Richards et al. 2015 PMID: 25741868, with internal and published modifications).

NM_001080458.2(EVX2):c.1047_1082del (p.Gly352_Ala363del)

Gene: EVX2 (even-skipped homeobox 2; minus strand). Cytogenetic location: 2q31.1.
Variant type: Deletion.
Coding change: c.1047_1082del on transcript NM_001080458.2 (MANE Select); coding-DNA positions 1047 to 1082, 36 bases deleted.
Protein change: p.Gly352_Ala363del.
Molecular consequence: inframe indel (on NM_001080458.1).
Genome position (GRCh38, 1-based): chr2:176,080,456-176,080,491, 36 bases deleted; deleting any 36 consecutive bases within chr2:176,080,456-176,080,498 gives the same sequence; the c. name uses the placement nearest the transcript's 3' end. GRCh37 (hg19): chr2:176,945,191-176,945,226.
Other names: c.1047_1082del36 (NM_001080458.1).
Identifiers: ClinVar variation 3046064 (VCV003046064.2), dbSNP rs774453066, ClinGen allele CA1976238.